The following is an entry in ClinVar:

ClinVar aggregate classification (germline): Uncertain significance (1 of 4 stars; one submission).

Allele frequency attached by ClinVar (database versions not stated): gnomAD exomes below 0.00001; gnomAD 0.00001.
gnomAD v4.1: 3 of 1,586,844 alleles (0.00019%); highest among the groups gnomAD compares: Non-Finnish European, 0.00017%; no homozygotes.

Submission:

Labcorp Genetics (formerly Invitae), Labcorp
Classification: Uncertain significance. Last evaluated: 2019-10-28. Review status: criteria provided, single submitter. Criteria: Invitae Variant Classification Sherloc (09022015). Collection method: clinical testing. Allele origin: germline.
Comment: This variant has not been reported in the literature in individuals with CNNM4-related conditions. Algorithms developed to predict the effect of missense changes on protein structure and function (SIFT, PolyPhen-2, Align-GVGD) all suggest that this variant is likely to be tolerated, but these predictions have not been confirmed by published functional studies and their clinical significance is uncertain. In summary, the available evidence is currently insufficient to determine the role of this variant in disease. Therefore, it has been classified as a Variant of Uncertain Significance. This variant is not present in population databases (ExAC no frequency). This sequence change replaces proline with arginine at codon 41 of the CNNM4 protein (p.Pro41Arg). The proline residue is weakly conserved and there is a moderate physicochemical difference between proline and arginine.

NM_020184.4(CNNM4):c.122C>G (p.Pro41Arg)

Gene: CNNM4 (cyclin and CBS domain divalent metal cation transport mediator 4; plus strand). Cytogenetic location: 2q11.2.
Variant type: single nucleotide variant.
Coding change: c.122C>G on transcript NM_020184.4 (MANE Select); coding-DNA position 122, C replaced by G.
Protein change: p.Pro41Arg; replaces proline 41 with arginine.
Molecular consequence: missense variant.
Genome position (GRCh38, 1-based): chr2:96,761,121, C>G. VCF-style: chr2-96761121-C-G. GRCh37 (hg19) VCF-style: chr2-97426858-C-G.
Other names: short protein forms P41R.
Identifiers: ClinVar variation 966219 (VCV000966219.9), dbSNP rs1220287218, ClinGen allele CA347710958.